The following is an entry in ClinVar:

NM_004963.4(GUCY2C):c.367T>A (p.Ser123Thr)

Genes: GUCY2C (guanylate cyclase 2C; minus strand), GUCY2C-AS1 (GUCY2C antisense RNA 1; plus strand). Cytogenetic location: 12p12.3.
Variant type: single nucleotide variant.
Coding change: c.367T>A on transcript NM_004963.4 (MANE Select); coding-DNA position 367, T replaced by A.
Protein change: p.Ser123Thr; replaces serine 123 with threonine.
Molecular consequence: missense variant.
Genome position (GRCh38, 1-based): chr12:14,686,189, A>T on the plus strand (T>A on the coding strand, the complement: GUCY2C is on the minus strand). VCF-style: chr12-14686189-A-T. GRCh37 (hg19) VCF-style: chr12-14839123-A-T.
Other names: short protein forms S123T.
Identifiers: ClinVar variation 2431538 (VCV002431538.2), dbSNP rs940810212, ClinGen allele CA233239887.

ClinVar aggregate classification (germline): Uncertain significance (1 of 4 stars; one submission).

Conditions:
Congenital diarrhea 6. Identifiers: Orphanet 314373, MedGen C3553270, MONDO:0013825, OMIM 614616.

Allele frequency attached by ClinVar (database versions not stated): gnomAD exomes below 0.00001; TOPMed 0.00002.
gnomAD v4.1: 2 of 1,607,672 alleles (0.00012%); highest among the groups gnomAD compares: Admixed American, 0.0017%; no homozygotes.

Submission:

Laboratorio de Genetica e Diagnostico Molecular, Hospital Israelita Albert Einstein
Classification: Uncertain significance for Congenital diarrhea 6. Last evaluated: 2022-07-25. Review status: criteria provided, single submitter. Criteria: ACMG Guidelines, 2015. Collection method: clinical testing. Allele origin: germline. Affected: yes.
Comment: ACMG classification criteria: PM2 moderated, BP4 supporting